The following is an entry in ClinVar:

ClinVar aggregate classification (germline): Uncertain significance (1 of 4 stars; one submission).

Conditions:
Alstrom syndrome (ALMS). Identifiers: Orphanet 64, MedGen C0268425, MONDO:0008763, OMIM 203800.

gnomAD v4.1: 1 of 1,605,252 alleles (0.000062%); highest among the groups gnomAD compares: Non-Finnish European, 0.000085%; no homozygotes.

Submission:

Labcorp Genetics (formerly Invitae), Labcorp
Classification: Uncertain significance for Alstrom syndrome. Last evaluated: 2022-10-05. Review status: criteria provided, single submitter. Criteria: Invitae Variant Classification Sherloc (09022015). Collection method: clinical testing. Allele origin: germline.
Comment: In summary, the available evidence is currently insufficient to determine the role of this variant in disease. Therefore, it has been classified as a Variant of Uncertain Significance. Algorithms developed to predict the effect of sequence changes on RNA splicing suggest that this variant may disrupt the consensus splice site. This variant has not been reported in the literature in individuals affected with ALMS1-related conditions. This variant is not present in population databases (gnomAD no frequency). This sequence change affects codon 478 of the ALMS1 mRNA. It is a 'silent' change, meaning that it does not change the encoded amino acid sequence of the ALMS1 protein. It affects a nucleotide within the consensus splice site.

NM_001378454.1(ALMS1):c.1431A>G (p.Ala477=)

Gene: ALMS1 (ALMS1 centrosome and basal body associated protein; plus strand). Cytogenetic location: 2p13.1.
Variant type: single nucleotide variant.
Coding change: c.1431A>G on transcript NM_001378454.1 (MANE Select); coding-DNA position 1431, A replaced by G.
Protein change: p.Ala477=; no amino-acid change (alanine 477 retained).
Molecular consequence: synonymous variant.
Genome position (GRCh38, 1-based): chr2:73,432,290, A>G. VCF-style: chr2-73432290-A-G. GRCh37 (hg19) VCF-style: chr2-73659418-A-G.
Other names: c.1434A>G, p.Ala478= (NM_015120.4).
Identifiers: ClinVar variation 2121831 (VCV002121831.3), dbSNP rs2466063210, ClinGen allele CA426772407.